The following is an entry in ClinVar:

NM_001134407.3(GRIN2A):c.1849G>A (p.Val617Met)

Gene: GRIN2A (glutamate ionotropic receptor NMDA type subunit 2A; minus strand). Cytogenetic location: 16p13.2.
Variant type: single nucleotide variant.
Coding change: c.1849G>A on transcript NM_001134407.3 (MANE Select); coding-DNA position 1849, G replaced by A.
Protein change: p.Val617Met; replaces valine 617 with methionine.
Molecular consequence: missense variant.
Genome position (GRCh38, 1-based): chr16:9,829,581, C>T on the plus strand (G>A on the coding strand, the complement: GRIN2A is on the minus strand). VCF-style: chr16-9829581-C-T. GRCh37 (hg19) VCF-style: chr16-9923438-C-T.
Other names: c.1849G>A, p.Val617Met (NM_000833.5, NM_001134408.2); c.1849G>A (NM_000833.3); short protein forms V617M.
Identifiers: ClinVar variation 2661900 (VCV002661900.2), dbSNP rs1784589315, ClinGen allele CA394799693.

ClinVar aggregate classification (germline): Likely pathogenic. Review status: criteria provided, single submitter (1 of 4 stars). 2 submissions from 2 submitters: Likely pathogenic (1). 1 of the submissions does not count toward it. Last evaluated 2024-02-06.

Conditions:
Landau-Kleffner syndrome (FESD). Also called: APHASIA, ACQUIRED, WITH EPILEPSY; EPILEPSY, FOCAL, WITH SPEECH DISORDER AND WITH OR WITHOUT MENTAL RETARDATION. Identifiers: Orphanet 1945, Orphanet 725, Orphanet 98818, MedGen C0282512, MONDO:0009509, OMIM 245570.

Allele frequency attached by ClinVar (database versions not stated): gnomAD exomes below 0.00001.
gnomAD v4.1: 2 of 1,613,928 alleles (0.00012%); highest among the groups gnomAD compares: Non-Finnish European, 0.00017%; no homozygotes.

Submissions (2):

GeneDx
Classification: Likely pathogenic. Last evaluated: 2024-02-06. Review status: criteria provided, single submitter. Criteria: GeneDx Variant Classification Process June 2021. Collection method: clinical testing. Allele origin: germline. Affected: yes.
Comment: Not observed at significant frequency in large population cohorts (gnomAD); In silico analysis supports that this missense variant has a deleterious effect on protein structure/function; Has not been previously published as pathogenic or benign to our knowledge; This variant is associated with the following publications: (PMID: 27839871)

Clinical Genetics Laboratory, University Hospital Schleswig-Holstein
Classification: Likely pathogenic for Landau-Kleffner syndrome. Last evaluated: 2022-09-22. Review status: no assertion criteria provided. Collection method: clinical testing. Allele origin: germline. Affected: yes. Not counted in ClinVar's aggregate classification.